The following is an entry in ClinVar:

ClinVar aggregate classification (germline): Uncertain significance (1 of 4 stars; one submission).

Conditions:
Progressive myoclonic epilepsy. Also called: Myoclonic Epilepsies, Progressive; Familial progressive myoclonic epilepsy; Myoclonus epilepsy; Progressive myoclonus epilepsy. Identifiers: Orphanet 308, Orphanet 98261, MedGen C0751778, MONDO:0020074.

Allele frequency attached by ClinVar (database versions not stated): gnomAD exomes below 0.00001 and 0.00001; ExAC 0.00001; gnomAD 0.00003 and 0.00004.
gnomAD v4.1: 9 of 1,614,120 alleles (0.00056%); highest among the groups gnomAD compares: African/African-American, 0.0067%; no homozygotes.

Submission:

Labcorp Genetics (formerly Invitae), Labcorp
Classification: Uncertain significance for Progressive myoclonic epilepsy. Last evaluated: 2021-08-27. Review status: criteria provided, single submitter. Criteria: Invitae Variant Classification Sherloc (09022015). Collection method: clinical testing. Allele origin: germline.
Comment: This sequence change replaces glutamine with arginine at codon 282 of the EPM2A protein (p.Gln282Arg). The glutamine residue is moderately conserved and there is a small physicochemical difference between glutamine and arginine. This variant is present in population databases (rs763098296, ExAC 0.01%). This variant has not been reported in the literature in individuals affected with EPM2A-related conditions. Algorithms developed to predict the effect of missense changes on protein structure and function output the following: SIFT: "Tolerated"; PolyPhen-2: "Benign"; Align-GVGD: "Class C0". The arginine amino acid residue is found in multiple mammalian species, which suggests that this missense change does not adversely affect protein function. Algorithms developed to predict the effect of sequence changes on RNA splicing suggest that this variant may create or strengthen a splice site. In summary, the available evidence is currently insufficient to determine the role of this variant in disease. Therefore, it has been classified as a Variant of Uncertain Significance.

NM_005670.4(EPM2A):c.845A>G (p.Gln282Arg)

Gene: EPM2A (EPM2A glucan phosphatase, laforin; minus strand). Cytogenetic location: 6q24.3.
Variant type: single nucleotide variant.
Coding change: c.845A>G on transcript NM_005670.4 (MANE Select); coding-DNA position 845, A replaced by G.
Protein change: p.Gln282Arg; replaces glutamine 282 with arginine.
Molecular consequence: missense variant. On other transcripts: synonymous variant (1), non-coding transcript variant (1).
Genome position (GRCh38, 1-based): chr6:145,627,567, T>C on the plus strand (A>G on the coding strand, the complement: EPM2A is on the minus strand). VCF-style: chr6-145627567-T-C. GRCh37 (hg19) VCF-style: chr6-145948703-T-C.
Other names: c.845A>G, p.Gln282Arg (NM_001018041.2); c.603A>G, p.Pro201= (NM_001360057.2); c.431A>G, p.Gln144Arg (NM_001360064.2, NM_001360071.2, NM_001368131.1); c.383A>G, p.Gln128Arg (NM_001368129.2, NM_001368132.1); short protein forms Q128R, Q144R, Q282R.
Identifiers: ClinVar variation 1056605 (VCV001056605.6), dbSNP rs763098296, ClinGen allele CA4035057.
Genomic context (GRCh38, chr6:145,627,567, plus strand): 5'-GCCGGCCTCTTGGCCATGAGGAAATACTGCACCTTCCTCAGATTCCAGCCCATCACATAC[T>C]GGAGCCAGCCGCAGACAGCCGCGGTGGAGCGGCCCACCCCAGCGTTGCAGTGCACGTACA-3'
Protein context (NP_005661.1, residues 272-292): RSTAAVCGWL[Gln282Arg]YVMGWNLRKV